The following is an entry in ClinVar:

NM_000091.5(COL4A3):c.805G>A (p.Glu269Lys)

Genes: COL4A3 (collagen type IV alpha 3 chain; plus strand), MFF-DT (MFF divergent transcript; minus strand). Cytogenetic location: 2q36.3.
Variant type: single nucleotide variant.
Coding change: c.805G>A on transcript NM_000091.5 (MANE Select); coding-DNA position 805, G replaced by A.
Protein change: p.Glu269Lys; replaces glutamic acid 269 with lysine.
Molecular consequence: missense variant.
Genome position (GRCh38, 1-based): chr2:227,254,151, G>A. VCF-style: chr2-227254151-G-A. GRCh37 (hg19) VCF-style: chr2-228118867-G-A.
Other names: short protein forms E269K.
Identifiers: ClinVar variation 255006 (VCV000255006.34), dbSNP rs80109666, ClinGen allele CA2146374.
Genomic context (GRCh38, chr2:227,254,151, plus strand): 5'-GTTGAACTGTTTCTTTGGCAGGACCTCAAGGGGGAAAAGGGAGACAAGGGAGCAATGGGC[G>A]AGCCTGGACCTCCTGGACCCTCAGTAGGTTATTTAAAGTTATATTGTCCCCATAACACAT-3'
Protein context (NP_000082.2, residues 259-279): GEKGDKGAMG[Glu269Lys]PGPPGPSGLP

ClinVar aggregate classification (germline): Benign. Review status: criteria provided, multiple submitters, no conflicts (2 of 4 stars). 14 submissions from 14 submitters: Benign (11). 3 of the submissions do not count toward it. Last evaluated 2026-02-04.

Conditions:
Alport syndrome. Also called: Hemorrhagic familial nephritis; Hemorrhagic hereditary nephritis; Congenital hereditary hematuria. Identifiers: Orphanet 63, MedGen C1567741, MONDO:0018965.

Allele frequency attached by ClinVar (database versions not stated): ESP Exome Variant Server 0.02271; gnomAD exomes 0.02321; ExAC 0.02338; gnomAD 0.02845 and 0.02960; TOPMed 0.03117; 1000 Genomes Project 30x 0.05840; 1000 Genomes Project 0.06070.

Submissions (14):

Labcorp Genetics (formerly Invitae), Labcorp
Classification: Benign. Last evaluated: 2026-02-04. Review status: criteria provided, single submitter. Criteria: Invitae Variant Classification Sherloc (09022015). Collection method: clinical testing. Allele origin: germline.

ARUP Laboratories, Molecular Genetics and Genomics, ARUP Laboratories
Classification: Benign. Last evaluated: 2024-12-19. Review status: criteria provided, single submitter. Criteria: ARUP Molecular Germline Variant Investigation Process 2024. Collection method: clinical testing. Allele origin: germline.

Blueprint Genetics
Classification: Benign. Last evaluated: 2024-11-26. Review status: criteria provided, single submitter. Criteria: ACMG Guidelines, 2015. Collection method: clinical testing. Allele origin: germline.

Mayo Clinic Laboratories, Mayo Clinic
Classification: Benign. Last evaluated: 2023-08-08. Review status: criteria provided, single submitter. Criteria: ACMG Guidelines, 2015. Collection method: clinical testing. Allele origin: germline. Observed: 9 variant alleles.
Comment: BA1, BS2

Athena Diagnostics
Classification: Benign. Last evaluated: 2022-04-20. Review status: criteria provided, single submitter. Criteria: Athena Diagnostics Criteria. Collection method: clinical testing. Allele origin: unknown.

Women's Health and Genetics/Laboratory Corporation of America, LabCorp
Classification: Benign. Last evaluated: 2019-09-23. Review status: criteria provided, single submitter. Criteria: LabCorp Variant Classification Summary - May 2015. Collection method: clinical testing. Allele origin: germline.
Comment: Variant summary: COL4A3 c.805G>A (p.Glu269Lys) results in a conservative amino acid change in the encoded protein sequence. Five of five in-silico tools predict a benign effect of the variant on protein function. The variant allele was found at a frequency of 0.023 in 249418 control chromosomes, predominantly at a frequency of 0.15 within the East Asian subpopulation in the gnomAD database, including 220 homozygotes. The observed variant frequency within East Asian control individuals in the gnomAD database is approximately 73-folds over the estimated maximal expected allele frequency for a pathogenic variant in COL4A3 causing Alport Syndrome, autosomal recessive phenotype (0.002), strongly suggesting that the variant is a benign polymorphism found primarily in populations of East Asian origin. c.805G>A has been reported in the literature in an individual affected with Alport Syndrome, autosomal recessive, however, authors classify the variant as a polymorphism (Zhang_2012). Four ClinVar submissions (evaluation after 2014) cite the variant three times as benign and once as likely benign. Based on the evidence outlined above, the variant was classified as benign.

Illumina Laboratory Services, Illumina
Classification: Benign for Alport syndrome. Last evaluated: 2018-01-13. Review status: criteria provided, single submitter. Criteria: ICSL Variant Classification Criteria 13 December 2019. Collection method: clinical testing. Allele origin: germline.
Comment: This variant was observed in the ICSL laboratory as part of a predisposition screen in an ostensibly healthy population. It had not been previously curated by ICSL or reported in the Human Gene Mutation Database (HGMD: prior to June 1st, 2018), and was therefore a candidate for classification through an automated scoring system. Utilizing variant allele frequency, disease prevalence and penetrance estimates, and inheritance mode, an automated score was calculated to assess if this variant is too frequent to cause the disease. Based on the score and internal cut-off values, a variant classified as benign is not then subjected to further curation. The score for this variant resulted in a classification of benign for this disease.

GeneDx
Classification: Benign. Last evaluated: 2017-10-05. Review status: criteria provided, single submitter. Criteria: GeneDx Variant Classification (06012015). Collection method: clinical testing. Allele origin: germline. Affected: yes.
Comment: This variant is considered likely benign or benign based on one or more of the following criteria: it is a conservative change, it occurs at a poorly conserved position in the protein, it is predicted to be benign by multiple in silico algorithms, and/or has population frequency not consistent with disease.

Laboratory for Molecular Medicine, Mass General Brigham Personalized Medicine
Classification: Benign. Last evaluated: 2016-03-21. Review status: criteria provided, single submitter. Criteria: LMM Criteria. Collection method: clinical testing. Allele origin: germline. Observed: 11 variant alleles.
Comment: p.Glu269Lys in exon 14 of COL4A3: This variant is not expected to have clinical significance because it has been identified in 15.00% (1291/8608) of East Asian chromosomes by the Exome Aggregation Consortium (ExAC; dbSNP rs80109666).

Breakthrough Genomics
Classification: Benign. Review status: criteria provided, single submitter. Criteria: ACMG Guidelines, 2015. Collection method: not provided. Allele origin: germline. Inheritance: Autosomal recessive inheritance. Affected: yes.

PreventionGenetics, part of Exact Sciences
Classification: Benign. Review status: criteria provided, single submitter. Criteria: ACMG Guidelines, 2015. Collection method: clinical testing. Allele origin: germline.

Natera, Inc.
Classification: Benign for Alport syndrome. Last evaluated: 2020-09-16. Review status: no assertion criteria provided. Collection method: clinical testing. Allele origin: germline. Not counted in ClinVar's aggregate classification.

Joint Genome Diagnostic Labs from Nijmegen and Maastricht, Radboudumc and MUMC+
Classification: Likely benign. Review status: no assertion criteria provided. Collection method: clinical testing. Allele origin: germline. Affected: yes. Study: VKGL Data-share Consensus. Not counted in ClinVar's aggregate classification.

Laboratory of Diagnostic Genome Analysis, Leiden University Medical Center (LUMC)
Classification: Likely benign. Review status: no assertion criteria provided. Collection method: clinical testing. Allele origin: germline. Affected: yes. Study: VKGL Data-share Consensus. Not counted in ClinVar's aggregate classification.

Literature cited by the submitters: PubMed 29924831 (cited by Mayo Clinic Laboratories, Mayo Clinic); PubMed 22887978 (cited by Women's Health and Genetics/Laboratory Corporation of America, LabCorp).